The following is an entry in ClinVar:

ClinVar aggregate classification (germline): Uncertain significance (1 of 4 stars; one submission).

Conditions:
Coffin-Siris syndrome 12. Identifiers: MedGen C5444111, MONDO:0025699, OMIM 619325.

Submission:

Neuberg Centre For Genomic Medicine, NCGM
Classification: Uncertain significance for Coffin-Siris syndrome 12. Review status: criteria provided, single submitter. Criteria: ACMG Guidelines, 2015. Collection method: clinical testing. Allele origin: germline. Inheritance: Autosomal dominant inheritance. Affected: yes.
Comment: The missense c.1225G>T p.Val409Leu variant in BICRA gene has not been reported previously as a pathogenic variant nor as a benign variant, to our knowledge. The p.Val409Leu variant is novel not in any individuals in both gnomAD Exomes and 1000 Genomes databases. This variant has not been reported to the ClinVar database. The amino acid change p.Val409Leu in BICRA is predicted as conserved by GERP++ and PhyloP across 100 vertebrates. The amino acid Val at position 409 is changed to a Leu changing protein sequence and it might alter its composition and physico-chemical properties. For these reasons, this variant has been classified as a Variant of Uncertain Significance VUS.

NM_001394372.1(BICRA):c.1225G>T (p.Val409Leu)

Gene: BICRA (BRD4 interacting chromatin remodeling complex associated protein; plus strand). Cytogenetic location: 19q13.33.
Variant type: single nucleotide variant.
Coding change: c.1225G>T on transcript NM_001394372.1 (MANE Select); coding-DNA position 1225, G replaced by T.
Protein change: p.Val409Leu; replaces valine 409 with leucine.
Molecular consequence: missense variant.
Genome position (GRCh38, 1-based): chr19:47,680,395, G>T. VCF-style: chr19-47680395-G-T. GRCh37 (hg19) VCF-style: chr19-48183652-G-T.
Other names: c.1225G>T, p.Val409Leu (NM_015711.3); short protein forms V409L.
Identifiers: ClinVar variation 3234883 (VCV003234883.1), dbSNP rs1444702735, ClinGen allele CA406612313.